The following is an entry in ClinVar:

NM_032229.3(SLITRK6):c.1929A>G (p.Gln643=)

Gene: SLITRK6 (SLIT and NTRK like family member 6; minus strand). Cytogenetic location: 13q31.1.
Variant type: single nucleotide variant.
Coding change: c.1929A>G on transcript NM_032229.3 (MANE Select); coding-DNA position 1929, A replaced by G.
Protein change: p.Gln643=; no amino-acid change (glutamine 643 retained).
Molecular consequence: synonymous variant.
Genome position (GRCh38, 1-based): chr13:85,794,580, T>C on the plus strand (A>G on the coding strand, the complement: SLITRK6 is on the minus strand). VCF-style: chr13-85794580-T-C. GRCh37 (hg19) VCF-style: chr13-86368715-T-C.
Other names: c.1929A>G (NM_032229.2).
Identifiers: ClinVar variation 4753772 (VCV004753772.2).
Genomic context (GRCh38, chr13:85,794,580, plus strand): 5'-ATGGCCATACATGCTGTACTGAAGATGCACAGGACTGTTGTCTCTCATTTGCTCATCTAC[T>C]TGTTTCTTTTTGTATCTTCTCCTGCGGTGAAGAACAAGAACCACTATCCCTGCAGCACAG-3'
Protein context (NP_115605.2, residues 633-653): LHRRRRYKKK[Gln643=]VDEQMRDNSP

ClinVar aggregate classification (germline): Likely benign. Review status: criteria provided, multiple submitters, no conflicts (2 of 4 stars). 2 submissions from 2 submitters: Likely benign (2). Last evaluated 2025-07-24.

Conditions:
SLITRK6-related disorder. Also called: SLITRK6-related condition.

gnomAD v4.1: 10 of 1,613,126 alleles (0.00062%); highest among the groups gnomAD compares: Admixed American, 0.005%; no homozygotes.

Submissions (2):

Labcorp Genetics (formerly Invitae), Labcorp
Classification: Likely benign. Last evaluated: 2025-07-24. Review status: criteria provided, single submitter. Criteria: Invitae Variant Classification Sherloc (09022015). Collection method: clinical testing. Allele origin: germline.

PreventionGenetics, part of Exact Sciences
Classification: Likely benign for SLITRK6-related condition. Last evaluated: 2025-05-12. Review status: criteria provided, single submitter. Criteria: ACMG Guidelines, 2015. Collection method: clinical testing. Allele origin: germline.
Comment: This variant is classified as likely benign based on ACMG/AMP sequence variant interpretation guidelines (Richards et al. 2015 PMID: 25741868, with internal and published modifications).